The following is an entry in ClinVar:

NM_000277.3(PAH):c.696G>T (p.Gln232His)

Gene: PAH (phenylalanine hydroxylase; minus strand). Cytogenetic location: 12q23.2.
Variant type: single nucleotide variant.
Coding change: c.696G>T on transcript NM_000277.3 (MANE Select); coding-DNA position 696, G replaced by T.
Protein change: p.Gln232His; replaces glutamine 232 with histidine.
Molecular consequence: missense variant.
Genome position (GRCh38, 1-based): chr12:102,855,146, C>A on the plus strand (G>T on the coding strand, the complement: PAH is on the minus strand). VCF-style: chr12-102855146-C-A. GRCh37 (hg19) VCF-style: chr12-103248924-C-A.
Other names: NC_000012.11:g.103248924C>A; c.696G>T, p.Gln232His (NM_001354304.2); short protein forms Q232H.
Identifiers: ClinVar variation 4378735 (VCV004378735.2).

ClinVar aggregate classification (germline): Likely pathogenic (1 of 4 stars; one submission).

Conditions:
Phenylketonuria (PKU). Also called: FOLLING DISEASE; OLIGOPHRENIA PHENYLPYRUVICA; Phenylketonurias; Phenylketonuria (PKU). Identifiers: Orphanet 716, MedGen C0031485, MONDO:0009861, OMIM 261600. Disease mechanism: loss of function.

Submissions (2):

First Genomix Gene Laboratory, Genetic Diagnostics Department
Classification: Likely pathogenic for Phenylketonuria. Last evaluated: 2025-03-20. Review status: criteria provided, single submitter. Criteria: ACMG Guidelines, 2015. Collection method: clinical testing. Allele origin: germline. Inheritance: Autosomal recessive inheritance. Affected: no. Observed: 1 variant allele.

Dr. Peter K. Rogan Lab, Western University
No classification provided (evidence only). Condition: Thyroid cancer, nonmedullary, 1. Review status: no classification provided. Collection method: in vitro. Allele origin: not applicable. Functional consequence: retained intron. Not counted in ClinVar's aggregate classification.